The following is an entry in ClinVar:

NM_023935.3(DDRGK1):c.425G>C (p.Arg142Pro)

Gene: DDRGK1 (DDRGK domain containing 1; minus strand). Cytogenetic location: 20p13.
Variant type: single nucleotide variant.
Coding change: c.425G>C on transcript NM_023935.3 (MANE Select); coding-DNA position 425, G replaced by C.
Protein change: p.Arg142Pro; replaces arginine 142 with proline.
Molecular consequence: missense variant.
Genome position (GRCh38, 1-based): chr20:3,200,086, C>G on the plus strand (G>C on the coding strand, the complement: DDRGK1 is on the minus strand). VCF-style: chr20-3200086-C-G. GRCh37 (hg19) VCF-style: chr20-3180732-C-G.
Other names: short protein forms R142P.
Identifiers: ClinVar variation 1973929 (VCV001973929.2), dbSNP rs190574404, ClinGen allele CA408071817.

ClinVar aggregate classification (germline): Uncertain significance (1 of 4 stars; one submission).

gnomAD v4.1: 2 of 1,613,786 alleles (0.00012%); highest among the groups gnomAD compares: Admixed American, 0.0017%; no homozygotes.

Submission:

Labcorp Genetics (formerly Invitae), Labcorp
Classification: Uncertain significance. Last evaluated: 2022-04-20. Review status: criteria provided, single submitter. Criteria: Invitae Variant Classification Sherloc (09022015). Collection method: clinical testing. Allele origin: germline.
Comment: This sequence change replaces arginine, which is basic and polar, with proline, which is neutral and non-polar, at codon 142 of the DDRGK1 protein (p.Arg142Pro). This variant is present in population databases (no rsID available, gnomAD 0.003%). This variant has not been reported in the literature in individuals affected with DDRGK1-related conditions. Algorithms developed to predict the effect of missense changes on protein structure and function are either unavailable or do not agree on the potential impact of this missense change (SIFT: "Not Available"; PolyPhen-2: "Probably Damaging"; Align-GVGD: "Not Available"). In summary, the available evidence is currently insufficient to determine the role of this variant in disease. Therefore, it has been classified as a Variant of Uncertain Significance.